The following is an entry in ClinVar:

ClinVar aggregate classification (germline): Uncertain significance (1 of 4 stars; one submission).

gnomAD v4.1: 18 of 1,613,808 alleles (0.0011%); highest among the groups gnomAD compares: East Asian, 0.016%; no homozygotes.

Submission:

Labcorp Genetics (formerly Invitae), Labcorp
Classification: Uncertain significance. Last evaluated: 2024-03-04. Review status: criteria provided, single submitter. Criteria: Invitae Variant Classification Sherloc (09022015). Collection method: clinical testing. Allele origin: germline.
Comment: This sequence change replaces valine, which is neutral and non-polar, with isoleucine, which is neutral and non-polar, at codon 483 of the ITPR1 protein (p.Val483Ile). This variant is present in population databases (no rsID available, gnomAD 0.006%). This missense change has been observed in individual(s) with clinical features of ITPR1-related conditions (PMID: 31069529). Advanced modeling of protein sequence and biophysical properties (such as structural, functional, and spatial information, amino acid conservation, physicochemical variation, residue mobility, and thermodynamic stability) performed at Invitae indicates that this missense variant is not expected to disrupt ITPR1 protein function with a negative predictive value of 95%. In summary, the available evidence is currently insufficient to determine the role of this variant in disease. Therefore, it has been classified as a Variant of Uncertain Significance.

Literature cited by the submitters: PubMed 31069529.

NM_001378452.1(ITPR1):c.1492G>A (p.Val498Ile)

Gene: ITPR1 (inositol 1,4,5-trisphosphate receptor type 1; plus strand). Cytogenetic location: 3p26.1.
Variant type: single nucleotide variant.
Coding change: c.1492G>A on transcript NM_001378452.1 (MANE Select); coding-DNA position 1492, G replaced by A.
Protein change: p.Val498Ile; replaces valine 498 with isoleucine.
Molecular consequence: missense variant.
Genome position (GRCh38, 1-based): chr3:4,663,144, G>A. VCF-style: chr3-4663144-G-A. GRCh37 (hg19) VCF-style: chr3-4704828-G-A.
Other names: c.1447G>A, p.Val483Ile (NM_002222.7, NM_001168272.2); c.1492G>A, p.Val498Ile (NM_001099952.4); short protein forms V483I, V498I.
Identifiers: ClinVar variation 3610917 (VCV003610917.2).
Genomic context (GRCh38, chr3:4,663,144, plus strand): 5'-GAAGATTTGGTTTACTTCGTCACTGGTGGAACTAATTCTGGTCAAGATGTTCTCGAAGTT[G>A]TCTTCTCCAAGCCCAACAGAGAACGGCAGAAACTGATGAGAGAACAGAATATTCTCAAGC-3'
Protein context (NP_001365381.1, residues 488-508): TNSGQDVLEV[Val498Ile]FSKPNRERQK